The following is an entry in ClinVar:

NM_015922.3(NSDHL):c.351T>C (p.Phe117=)

Gene: NSDHL (NAD(P) dependent 3-beta-hydroxysteroid dehydrogenase NSDHL; plus strand). Cytogenetic location: Xq28.
Variant type: single nucleotide variant.
Coding change: c.351T>C on transcript NM_015922.3 (MANE Select); coding-DNA position 351, T replaced by C.
Protein change: p.Phe117=; no amino-acid change (phenylalanine 117 retained).
Molecular consequence: synonymous variant.
Genome position (GRCh38, 1-based): chrX:152,858,853, T>C. VCF-style: chrX-152858853-T-C. GRCh37 (hg19) VCF-style: chrX-152027397-T-C.
Other names: c.351T>C, p.Phe117= (NM_001129765.2).
Identifiers: ClinVar variation 698117 (VCV000698117.36), dbSNP rs138711934, ClinGen allele CA10544752.

ClinVar aggregate classification (germline): Benign/Likely benign. Review status: criteria provided, multiple submitters, no conflicts (2 of 4 stars). 4 submissions from 4 submitters: Benign (1); Likely benign (3). Last evaluated 2025-12-22.

Conditions:
CK syndrome. Also called: MENTAL RETARDATION, X-LINKED, WITH THIN BODY HABITUS AND CORTICAL MALFORMATION. Identifiers: Orphanet 251383, MedGen C3151781, MONDO:0010441, OMIM 300831.
Child syndrome. Also called: CHILD (Congenital Hemidysplasia with Ichthyosiform Nevus and Limb Defects) Syndrome. Identifiers: Orphanet 139, MedGen C0265267, MONDO:0010621, OMIM 308050.

Allele frequency attached by ClinVar (database versions not stated): gnomAD exomes 0.00031 and 0.00039; ExAC 0.00033; TOPMed 0.00035; gnomAD 0.00043 and 0.00045; ESP Exome Variant Server 0.00057.
gnomAD v4.1: 461 of 1,202,755 alleles (0.038%); highest among the groups gnomAD compares: Non-Finnish European, 0.05%; no homozygotes.

Submissions (4):

Labcorp Genetics (formerly Invitae), Labcorp
Classification: Benign. Last evaluated: 2025-12-22. Review status: criteria provided, single submitter. Criteria: Invitae Variant Classification Sherloc (09022015). Collection method: clinical testing. Allele origin: germline.

Blueprint Genetics
Classification: Likely benign. Last evaluated: 2024-10-17. Review status: criteria provided, single submitter. Criteria: ACMG Guidelines, 2015. Collection method: clinical testing. Allele origin: germline.

CeGaT Center for Human Genetics Tuebingen
Classification: Likely benign. Last evaluated: 2023-07-01. Review status: criteria provided, single submitter. Criteria: CeGaT Center For Human Genetics Tuebingen Variant Classification Criteria Version 2. Collection method: clinical testing. Allele origin: germline. Affected: yes. Observed: 3 variant alleles.
Comment: NSDHL: BP4, BS2

Fulgent Genetics
Classification: Likely benign for CK syndrome; Child syndrome. Last evaluated: 2021-08-30. Review status: criteria provided, single submitter. Criteria: ACMG Guidelines, 2015. Collection method: clinical testing. Allele origin: unknown.